The following is an entry in ClinVar:

ClinVar aggregate classification (germline): Pathogenic. Review status: reviewed by expert panel (3 of 4 stars). 2 submissions from 2 submitters: Pathogenic (1). 1 of the submissions does not count toward it. Last evaluated 2016-10-18.

Conditions:
Breast-ovarian cancer, familial, susceptibility to, 2 (BROVCA2). Also called: BRCA2 Hereditary Breast and Ovarian Cancer. Identifiers: Orphanet 145, MedGen C2675520, MONDO:0012933, OMIM 612555. Disease mechanism: loss of function.

Submissions (2):

Evidence-based Network for the Interpretation of Germline Mutant Alleles (ENIGMA)
Classification: Pathogenic for Breast-ovarian cancer, familial, susceptibility to, 2. Last evaluated: 2016-10-18. Review status: reviewed by expert panel. Criteria: ENIGMA BRCA1/2 Classification Criteria (2015). Collection method: curation. Allele origin: germline.
Comment: Variant allele predicted to encode a truncated non-functional protein.

Consortium of Investigators of Modifiers of BRCA1/2 (CIMBA), c/o University of Cambridge
Classification: Pathogenic for Breast-ovarian cancer, familial, susceptibility to, 2. Last evaluated: 2015-10-02. Review status: criteria provided, single submitter. Criteria: CIMBA Mutation Classification guidelines May 2016. Collection method: clinical testing. Allele origin: germline. Not counted in ClinVar's aggregate classification.

NM_000059.4(BRCA2):c.4229_4230insA (p.Ala1411fs)

Gene: BRCA2 (BRCA2 DNA repair associated; plus strand). Cytogenetic location: 13q13.1.
Variant type: Insertion.
Coding change: c.4229_4230insA on transcript NM_000059.4 (MANE Select); coding-DNA positions 4229 to 4230, A inserted.
Protein change: p.Ala1411fs; shifts the reading frame from alanine 1411.
Molecular consequence: frameshift variant.
Genome position: GRCh38 VCF-style: chr13-32338584-C-CA. GRCh37 (hg19) VCF-style: chr13-32912721-C-CA.
Other names: 4457_4458insA; short protein forms A1411fs.
Identifiers: ClinVar variation 266797 (VCV000266797.7), dbSNP rs886040516, ClinGen allele CA10589247.